The following is an entry in ClinVar:

ClinVar aggregate classification (germline): Uncertain significance (1 of 4 stars; one submission).

Conditions:
Mosaic variegated aneuploidy syndrome 1 (MVA1). Also called: Warburton-Anyane-Yeboa syndrome. Identifiers: Orphanet 1052, MedGen C1850343, MONDO:0009759, OMIM 257300.

gnomAD v4.1: 1 of 1,613,986 alleles (0.000062%); highest among the groups gnomAD compares: African/African-American, 0.0013%; no homozygotes.

Submission:

Labcorp Genetics (formerly Invitae), Labcorp
Classification: Uncertain significance for Mosaic variegated aneuploidy syndrome 1. Last evaluated: 2023-06-11. Review status: criteria provided, single submitter. Criteria: Invitae Variant Classification Sherloc (09022015). Collection method: clinical testing. Allele origin: germline.
Comment: In summary, the available evidence is currently insufficient to determine the role of this variant in disease. Therefore, it has been classified as a Variant of Uncertain Significance. An algorithm developed to predict the effect of missense changes on protein structure and function (PolyPhen-2) suggests that this variant is likely to be tolerated. This variant has not been reported in the literature in individuals affected with BUB1B-related conditions. This variant is not present in population databases (gnomAD no frequency). This sequence change replaces lysine, which is basic and polar, with asparagine, which is neutral and polar, at codon 902 of the BUB1B protein (p.Lys902Asn).

NM_001211.6(BUB1B):c.2706G>C (p.Lys902Asn)

Genes: BUB1B (BUB1 mitotic checkpoint serine/threonine kinase B; plus strand), BUB1B-PAK6 (BUB1B-PAK6 readthrough; plus strand). Cytogenetic location: 15q15.1.
Variant type: single nucleotide variant.
Coding change: c.2706G>C on transcript NM_001211.6 (MANE Select); coding-DNA position 2706, G replaced by C.
Protein change: p.Lys902Asn; replaces lysine 902 with asparagine.
Molecular consequence: missense variant. On other transcripts: 5 prime UTR variant (2).
Genome position (GRCh38, 1-based): chr15:40,217,523, G>C. VCF-style: chr15-40217523-G-C. GRCh37 (hg19) VCF-style: chr15-40509724-G-C.
Other names: c.-345G>C (NM_001128628.3); c.-262G>C (NM_001128629.3); short protein forms K902N.
Identifiers: ClinVar variation 2959462 (VCV002959462.3), dbSNP rs1595538961, ClinGen allele CA391687496.
Genomic context (GRCh38, chr15:40,217,523, plus strand): 5'-TTTATTATCTCCTTCTCTTAAATCTGGGCTCAGAATCCACGATCCCTATGATTGTAACAA[G>C]AACAATCAAGCTTTGAAGATAGTGGACTTTTCCTACAGTGTTGACCTTAGGGTGCAGCTG-3'
Protein context (NP_001202.5, residues 892-912): NRIHDPYDCN[Lys902Asn]NNQALKIVDF